The following is an entry in ClinVar:

ClinVar aggregate classification (germline): Likely benign (1 of 4 stars; one submission).

gnomAD v4.1: 262 of 1,613,812 alleles (0.016%); highest among the groups gnomAD compares: Non-Finnish European, 0.021%; no homozygotes.

Submission:

Mayo Clinic Laboratories, Mayo Clinic
Classification: Likely benign. Last evaluated: 2025-02-26. Review status: criteria provided, single submitter. Criteria: ACMG Guidelines, 2015. Collection method: clinical testing. Allele origin: germline. Observed: 1 variant allele.
Comment: BP4, BP7

NM_016194.4(GNB5):c.525C>T (p.Pro175=)

Gene: GNB5 (G protein subunit beta 5; minus strand). Cytogenetic location: 15q21.2.
Variant type: single nucleotide variant.
Coding change: c.525C>T on transcript NM_016194.4 (MANE Select); coding-DNA position 525, C replaced by T.
Protein change: p.Pro175=; no amino-acid change (proline 175 retained).
Molecular consequence: synonymous variant.
Genome position (GRCh38, 1-based): chr15:52,141,242, G>A on the plus strand (C>T on the coding strand, the complement: GNB5 is on the minus strand). VCF-style: chr15-52141242-G-A. GRCh37 (hg19) VCF-style: chr15-52433439-G-A.
Other names: p.Pro175=; c.243C>T, p.Pro81= (NM_001379343.1); c.399C>T, p.Pro133= (NM_006578.4).
Identifiers: ClinVar variation 4683980 (VCV004683980.1).